The following is an entry in ClinVar:

NM_004341.5(CAD):c.6480+1G>A

Genes: CAD (carbamoyl-phosphate synthetase 2, aspartate transcarbamylase, and dihydroorotase; plus strand), LOC126806172 (CDK7 strongly-dependent group 2 enhancer GRCh37_chr2:27465505-27466704; plus strand). Cytogenetic location: 2p23.3.
Variant type: single nucleotide variant.
Coding change: c.6480+1G>A on transcript NM_004341.5 (MANE Select); the canonical splice donor site of the intron after coding-DNA position 6480, G replaced by A.
Molecular consequence: splice donor variant.
Genome position (GRCh38, 1-based): chr2:27,242,974, G>A. VCF-style: chr2-27242974-G-A. GRCh37 (hg19) VCF-style: chr2-27465842-G-A.
Other names: c.6291+1G>A (NM_001306079.2).
Identifiers: ClinVar variation 3712724 (VCV003712724.2).

ClinVar aggregate classification (germline): Likely pathogenic (1 of 4 stars; one submission).

Submission:

Labcorp Genetics (formerly Invitae), Labcorp
Classification: Likely pathogenic. Last evaluated: 2024-10-06. Review status: criteria provided, single submitter. Criteria: Invitae Variant Classification Sherloc (09022015). Collection method: clinical testing. Allele origin: germline.
Comment: This sequence change affects a donor splice site in intron 42 of the CAD gene. It is expected to disrupt RNA splicing. Variants that disrupt the donor or acceptor splice site typically lead to a loss of protein function (PMID: 16199547), and loss-of-function variants in CAD are known to be pathogenic (PMID: 28007989, 32117025, 32820246, 33497533). This variant is not present in population databases (gnomAD no frequency). This variant has not been reported in the literature in individuals affected with CAD-related conditions. Algorithms developed to predict the effect of sequence changes on RNA splicing suggest that this variant may disrupt the consensus splice site. In summary, the currently available evidence indicates that the variant is pathogenic, but additional data are needed to prove that conclusively. Therefore, this variant has been classified as Likely Pathogenic.

Literature cited by the submitters: PubMed 16199547; PubMed 28007989; PubMed 32117025; PubMed 32820246; PubMed 33497533.